The following is an entry in ClinVar:

ClinVar aggregate classification (germline): Pathogenic (1 of 4 stars; one submission).

Conditions:
Bainbridge-Ropers syndrome. Also called: Severe feeding difficulties-failure to thrive-microcephaly due to ASXL3 deficiency syndrome. Identifiers: Orphanet 352577, MedGen C4750837, MONDO:0014205, OMIM 615485.

Submission:

Institute of Human Genetics, University of Leipzig Medical Center
Classification: Pathogenic for Bainbridge-Ropers syndrome. Last evaluated: 2024-03-01. Review status: criteria provided, single submitter. Criteria: ACMG Guidelines, 2015. Collection method: clinical testing. Allele origin: de novo. Inheritance: Autosomal dominant inheritance. Affected: yes.
Comment: Criteria applied: PVS1,PM2_SUP,PS2_MOD

NM_030632.3(ASXL3):c.2127del (p.Leu710fs)

Gene: ASXL3 (ASXL transcriptional regulator 3; plus strand). Cytogenetic location: 18q12.1.
Variant type: Deletion.
Coding change: c.2127del on transcript NM_030632.3 (MANE Select); coding-DNA position 2127, one base deleted (C; older notation c.2127delC).
Protein change: p.Leu710fs; shifts the reading frame from leucine 710.
Molecular consequence: frameshift variant.
Genome position (GRCh38, 1-based): chr18:33,739,531, C deleted. VCF-style (leftmost placement, unchanged base first): chr18-33739530-AC-A. GRCh37 (hg19) VCF-style: chr18-31319494-AC-A.
Other names: short protein forms L710fs.
Identifiers: ClinVar variation 3024523 (VCV003024523.2), dbSNP rs2510918753, ClinGen allele CA2740091792.
Genomic context (GRCh38, chr18:33,739,530, plus strand): 5'-TATCAGAAGCATCTCTTATGTCCAACTTACCATTAACATCTGAAGCATCACCAGTATCCA[AC>A]TTACCTTTAACATCAGAAACCTCACCGATGTCTGACTTACCTTTAACATCAGAAACTTCT-3'